The following is an entry in ClinVar:

NM_144997.7(FLCN):c.201C>G (p.Ala67=)

Gene: FLCN (folliculin; minus strand). Cytogenetic location: 17p11.2.
Variant type: single nucleotide variant.
Coding change: c.201C>G on transcript NM_144997.7 (MANE Select); coding-DNA position 201, C replaced by G.
Protein change: p.Ala67=; no amino-acid change (alanine 67 retained).
Molecular consequence: synonymous variant.
Genome position (GRCh38, 1-based): chr17:17,227,937, G>C on the plus strand (C>G on the coding strand, the complement: FLCN is on the minus strand). VCF-style: chr17-17227937-G-C. GRCh37 (hg19) VCF-style: chr17-17131251-G-C.
Other names: c.201C>G, p.Ala67= (NM_001353229.2, NM_001353230.2, NM_001353231.2 and 1 more transcripts).
Identifiers: ClinVar variation 1596592 (VCV001596592.11), dbSNP rs764082089, ClinGen allele CA8416499.

ClinVar aggregate classification (germline): Benign/Likely benign. Review status: criteria provided, multiple submitters, no conflicts (2 of 4 stars). 3 submissions from 3 submitters: Benign (1); Likely benign (2). Last evaluated 2025-10-28.

Conditions:
Hereditary cancer-predisposing syndrome. Also called: Hereditary Cancer Syndrome; Tumor predisposition; Neoplastic Syndromes, Hereditary; Hereditary neoplastic syndrome. Identifiers: Orphanet 140162, MedGen C0027672, MeSH D009386, MONDO:0015356.
Birt-Hogg-Dube syndrome. Also called: Birt Hogg Dubé syndrome. Identifiers: Orphanet 122, MedGen C0346010, MONDO:0800444.
Birt-Hogg-Dube syndrome 1 (BHD1). Also called: FIBROFOLLICULOMAS WITH TRICHODISCOMAS AND ACROCHORDONS. Identifiers: Orphanet 122, MedGen CN375946, MONDO:0800445, OMIM 135150.

Allele frequency attached by ClinVar (database versions not stated): TOPMed below 0.00001; ExAC 0.00001; gnomAD 0.00001; gnomAD exomes 0.00001.
gnomAD v4.1: 8 of 1,613,982 alleles (0.0005%); highest among the groups gnomAD compares: East Asian, 0.018%; no homozygotes.

Submissions (3):

Labcorp Genetics (formerly Invitae), Labcorp
Classification: Likely benign for Birt-Hogg-Dube syndrome. Last evaluated: 2025-10-28. Review status: criteria provided, single submitter. Criteria: Invitae Variant Classification Sherloc (09022015). Collection method: clinical testing. Allele origin: germline.

Myriad Genetics, Inc.
Classification: Benign for Birt-Hogg-Dube syndrome 1. Last evaluated: 2024-10-22. Review status: criteria provided, single submitter. Criteria: Myriad Autosomal Dominant, Autosomal Recessive and X-Linked Classification Criteria (2023). Collection method: clinical testing. Allele origin: unknown.
Comment: This variant is considered benign. This variant is a silent/synonymous amino acid change and it is not expected to impact splicing.

Ambry Genetics
Classification: Likely benign for Hereditary cancer-predisposing syndrome. Last evaluated: 2021-02-02. Review status: criteria provided, single submitter. Criteria: Ambry Variant Classification Scheme 2023. Collection method: clinical testing. Allele origin: germline.